The following is an entry in ClinVar:

ClinVar aggregate classification (germline): Conflicting classifications of pathogenicity. Review status: criteria provided, conflicting classifications (1 of 4 stars). 5 submissions from 5 submitters: Likely pathogenic (2); Uncertain significance (1). 2 of the submissions do not count toward it. Last evaluated 2025-01-27.

Conditions:
Senior-Loken syndrome 9 (SLSN9). Identifiers: Orphanet 3156, MedGen C4225263, MONDO:0014712, OMIM 616629.
TRAF3IP1-related disorder. Also called: TRAF3IP1-related condition.
Jeune thoracic dystrophy. Also called: Jeune syndrome; Infantile thoracic dystrophy; Thoracic pelvic phalangeal dystrophy; Jeune's syndrome; Chondroectodermal dysplasia-like syndrome; Short-rib thoracic dysplasia. Identifiers: Orphanet 474, MedGen C0265275, MONDO:0018770.

Allele frequency attached by ClinVar (database versions not stated): gnomAD exomes below 0.00001 and 0.00003; gnomAD 0.00001; TOPMed 0.00001; ExAC 0.00003.

Submissions (5):

Labcorp Genetics (formerly Invitae), Labcorp
Classification: Likely pathogenic. Last evaluated: 2025-01-27. Review status: criteria provided, single submitter. Criteria: Invitae Variant Classification Sherloc (09022015). Collection method: clinical testing. Allele origin: germline.
Comment: This sequence change affects a splice site in intron 11 of the TRAF3IP1 gene. It is expected to disrupt RNA splicing. Variants that disrupt the donor or acceptor splice site typically lead to a loss of protein function (PMID: 16199547), and loss-of-function variants in TRAF3IP1 are known to be pathogenic (PMID: 21945076, 26487268, 29068549). This variant is present in population databases (rs764906529, gnomAD 0.05%). Disruption of this splice site has been observed in individual(s) with asphyxiating thoracic dystrophy (PMID: 29068549). ClinVar contains an entry for this variant (Variation ID: 446657). Algorithms developed to predict the effect of sequence changes on RNA splicing suggest that this variant may disrupt the consensus splice site. In summary, the currently available evidence indicates that the variant is pathogenic, but additional data are needed to prove that conclusively. Therefore, this variant has been classified as Likely Pathogenic.

Blueprint Genetics
Classification: Likely pathogenic for TRAF3IP1-related disorders. Last evaluated: 2024-08-05. Review status: criteria provided, single submitter. Criteria: ACMG Guidelines, 2015. Collection method: clinical testing. Allele origin: germline. Affected: yes. Observed: 4 variant alleles.

Clinical Genomics Laboratory, Stanford Medicine
Classification: Uncertain significance for Senior-Loken syndrome 9. Last evaluated: 2023-03-30. Review status: criteria provided, single submitter. Criteria: ACMG Guidelines, 2015. Collection method: clinical testing. Allele origin: germline. Observed: 1 variant allele, 1 heterozygote.

Dan Cohn Lab, University Of California Los Angeles
Classification: Pathogenic for Asphyxiating thoracic dystrophy. Last evaluated: 2017-06-01. Review status: no assertion criteria provided. Collection method: research. Allele origin: maternal. Affected: yes. Not counted in ClinVar's aggregate classification.

University of Washington Center for Mendelian Genomics, University of Washington
Classification: Likely pathogenic for asphyxiating thoracic dystrophy. Review status: no assertion criteria provided. Collection method: research. Allele origin: inherited. Affected: yes. Not counted in ClinVar's aggregate classification.

Literature cited by the submitters: PubMed 16199547 (cited by Labcorp Genetics (formerly Invitae), Labcorp); PubMed 21945076 (cited by Labcorp Genetics (formerly Invitae), Labcorp); PubMed 26487268 (cited by Labcorp Genetics (formerly Invitae), Labcorp); PubMed 29068549 (cited by 3 submitters).

NM_015650.4(IFT54):c.1368-1del

Gene: IFT54 (intraflagellar transport 54; plus strand). Cytogenetic location: 2q37.3.
Variant type: Deletion.
Coding change: c.1368-1del on transcript NM_015650.4 (MANE Select); the canonical splice acceptor site of the intron before coding-DNA position 1368, one base deleted (G; older notation c.1368-1delG).
Molecular consequence: splice acceptor variant.
Genome position (GRCh38, 1-based): chr2:238,349,324, G deleted. VCF-style (leftmost placement, unchanged base first): chr2-238349323-AG-A. GRCh37 (hg19) VCF-style: chr2-239257964-AG-A.
Other names: c.1170-1del (NM_001139490.1).
Identifiers: ClinVar variation 446657 (VCV000446657.7), dbSNP rs764906529, ClinGen allele CA2198433.
Genomic context (GRCh38, chr2:238,349,323, plus strand): 5'-TCCAGTTTGAAATGTATAAGCCTTTCATACTCCTTTTTTGGTTTTCCAATATTTGGGTTT[AG>A]AAGAATTCCTCGGCCTGGGAGTGCAAGACCAGCCCCTCCCCGGGTCAAACGGCAAGACAG-3'